The following is an entry in ClinVar:

ClinVar aggregate classification (germline): Likely benign. Review status: criteria provided, multiple submitters, no conflicts (2 of 4 stars). 4 submissions from 4 submitters: Likely benign (3). 1 of the submissions does not count toward it. Last evaluated 2023-06-10.

Conditions:
RASA2-related disorder. Also called: RASA2-related condition.

Allele frequency attached by ClinVar (database versions not stated): gnomAD 0.00002 and 0.00003; TOPMed 0.00002; ESP Exome Variant Server 0.00015.
gnomAD v4.1: 79 of 1,613,508 alleles (0.0049%); highest among the groups gnomAD compares: Non-Finnish European, 0.0062%; no homozygotes.

Submissions (4):

Women's Health and Genetics/Laboratory Corporation of America, LabCorp
Classification: Likely benign. Last evaluated: 2023-06-10. Review status: criteria provided, single submitter. Criteria: LabCorp Variant Classification Summary - May 2015. Collection method: clinical testing. Allele origin: germline.

Ambry Genetics
Classification: Likely benign. Last evaluated: 2020-10-18. Review status: criteria provided, single submitter. Criteria: Ambry Variant Classification Scheme 2023. Collection method: clinical testing. Allele origin: germline.

ARUP Laboratories, Molecular Genetics and Genomics, ARUP Laboratories
Classification: Likely benign. Last evaluated: 2020-04-14. Review status: criteria provided, single submitter. Criteria: ARUP Molecular Germline Variant Investigation Process. Collection method: clinical testing. Allele origin: germline.

PreventionGenetics, part of Exact Sciences
Classification: Likely benign for RASA2-related condition. Last evaluated: 2024-04-14. Review status: no assertion criteria provided. Collection method: clinical testing. Allele origin: germline. Not counted in ClinVar's aggregate classification.
Comment: This variant is classified as likely benign based on ACMG/AMP sequence variant interpretation guidelines (Richards et al. 2015 PMID: 25741868, with internal and published modifications).

NM_006506.5(RASA2):c.1216C>T (p.Leu406=)

Gene: RASA2 (RAS p21 protein activator 2; plus strand). Cytogenetic location: 3q23.
Variant type: single nucleotide variant.
Coding change: c.1216C>T on transcript NM_006506.5 (MANE Select); coding-DNA position 1216, C replaced by T.
Protein change: p.Leu406=; no amino-acid change (leucine 406 retained).
Molecular consequence: synonymous variant.
Genome position (GRCh38, 1-based): chr3:141,572,655, C>T. VCF-style: chr3-141572655-C-T. GRCh37 (hg19) VCF-style: chr3-141291497-C-T.
Other names: c.1216C>T, p.Leu406= (NM_001303245.3, NM_001303246.3); c.1216C>T (NM_006506.3, NM_001303246.1).
Identifiers: ClinVar variation 993501 (VCV000993501.11), dbSNP rs146956359, ClinGen allele CA2645445.